The following is an entry in ClinVar:

NM_000193.4(SHH):c.1132_1140del (p.Ala378_Phe380del)

Gene: SHH (sonic hedgehog signaling molecule; minus strand). Cytogenetic location: 7q36.3.
Variant type: Deletion.
Coding change: c.1132_1140del on transcript NM_000193.4 (MANE Select); coding-DNA positions 1132 to 1140, 9 bases deleted (GCGCCCTTC; older notation c.1132_1140delGCGCCCTTC).
Protein change: p.Ala378_Phe380del.
Molecular consequence: inframe deletion. On other transcripts: intron variant (1).
Genome position (GRCh38, 1-based): chr7:155,803,149-155,803,157, GAAGGGCGC deleted on the plus strand (GCGCCCTTC on the coding strand, the reverse complement: SHH is on the minus strand); deleting any 9 consecutive bases within chr7:155,803,149-155,803,162 gives the same sequence; the c. name uses the placement nearest the transcript's 3' end. VCF-style (leftmost placement, unchanged base first): chr7-155803148-GGAAGGGCGC-G. GRCh37 (hg19) VCF-style: chr7-155595842-GGAAGGGCGC-G.
Other names: c.1283-1291del; c.302-2912_302-2904del (NM_001310462.2).
Identifiers: ClinVar variation 8889 (VCV000008889.2), dbSNP rs397515376, ClinGen allele CA340841.

ClinVar aggregate classification (germline): Pathogenic. Review status: no assertion criteria provided (0 of 4 stars). 2 submissions from 2 submitters: Pathogenic (2). Last evaluated 2013-08-29.

Conditions:
Holoprosencephaly 3 (HPE3). Identifiers: Orphanet 2162, MedGen C1840529, MONDO:0007733, OMIM 142945.

Submissions (2):

GeneReviews
Classification: Pathogenic for Holoprosencephaly. Last evaluated: 2013-08-29. Review status: no assertion criteria provided. Collection method: curation. Allele origin: unknown.
ClinVar note: Converted during submission from pathologic to Pathogenic.

OMIM
Classification: Pathogenic for HOLOPROSENCEPHALY 3. Last evaluated: 1999-12-01. Review status: no assertion criteria provided. Collection method: literature only. Allele origin: germline.

Literature cited by the submitters: PubMed 10556296 (cited by OMIM).